The following is an entry in ClinVar:

ClinVar aggregate classification (germline): Uncertain significance (1 of 4 stars; one submission).

Submission:

Labcorp Genetics (formerly Invitae), Labcorp
Classification: Uncertain significance. Last evaluated: 2022-04-11. Review status: criteria provided, single submitter. Criteria: Invitae Variant Classification Sherloc (09022015). Collection method: clinical testing. Allele origin: germline.
Comment: In summary, the available evidence is currently insufficient to determine the role of this variant in disease. Therefore, it has been classified as a Variant of Uncertain Significance. Experimental studies and prediction algorithms are not available or were not evaluated, and the functional significance of this variant is currently unknown. This variant has not been reported in the literature in individuals affected with LAMB1-related conditions. This variant is not present in population databases (gnomAD no frequency). This variant, c.2067_2069del, results in the deletion of 1 amino acid(s) of the LAMB1 protein (p.Ser690del), but otherwise preserves the integrity of the reading frame.

NM_002291.3(LAMB1):c.2064CTC[1] (p.Ser690del)

Gene: LAMB1 (laminin subunit beta 1; minus strand). Cytogenetic location: 7q31.1.
Variant type: Microsatellite.
Coding change: c.2064CTC[1] on transcript NM_002291.3 (MANE Select); one copy of the 3-base unit CTC starting at c.2064; the reference has two copies in a row; one copy, 3 bases deleted.
Protein change: p.Ser690del; deletes serine 690.
Molecular consequence: inframe deletion.
Genome position (GRCh38, 1-based): chr7:107,961,246-107,961,248, GAG deleted on the plus strand (CTC on the coding strand, the reverse complement: LAMB1 is on the minus strand); deleting any 3 consecutive bases within chr7:107,961,246-107,961,252 gives the same sequence; the position shown is the placement nearest the transcript's 3' end. VCF-style (leftmost placement, unchanged base first): chr7-107961245-AGAG-A. GRCh37 (hg19) VCF-style: chr7-107601690-AGAG-A.
Other names: short protein forms S690del.
Identifiers: ClinVar variation 2124607 (VCV002124607.4), dbSNP rs2535454168, ClinGen allele CA2580617079.